The following is an entry in ClinVar:

NM_025114.4(CEP290):c.2279_2280del (p.Val759_Phe760insTer)

Gene: CEP290 (centrosomal protein 290; minus strand). Cytogenetic location: 12q21.32.
Variant type: Deletion.
Coding change: c.2279_2280del on transcript NM_025114.4 (MANE Select); coding-DNA positions 2279 to 2280, 2 bases deleted (TT; older notation c.2279_2280delTT).
Protein change: p.Val759_Phe760insTer.
Molecular consequence: nonsense.
Genome position (GRCh38, 1-based): chr12:88,111,289-88,111,290, AA deleted on the plus strand (TT on the coding strand, the reverse complement: CEP290 is on the minus strand); deleting any 2 consecutive bases within chr12:88,111,289-88,111,293 gives the same sequence; the c. name uses the placement nearest the transcript's 3' end. VCF-style (leftmost placement, unchanged base first): chr12-88111288-TAA-T. GRCh37 (hg19) VCF-style: chr12-88505065-TAA-T.
Identifiers: ClinVar variation 1297025 (VCV001297025.1), dbSNP rs2137710225, ClinGen allele CA2499221879.

ClinVar aggregate classification (germline): Likely pathogenic (1 of 4 stars; one submission).

Conditions:
Joubert syndrome 5 (JBTS5). Identifiers: Orphanet 2318, MedGen C1857780, MONDO:0012432, OMIM 610188.

Submission:

Institute of Human Genetics, University of Leipzig Medical Center
Classification: Likely pathogenic for Joubert syndrome 5. Last evaluated: 2021-04-08. Review status: criteria provided, single submitter. Criteria: ACMG Guidelines, 2015. Collection method: clinical testing. Allele origin: unknown. Affected: yes.
Comment: This variant was identified as compound heterozygous with NM_025114.4:c.5493del